The following is an entry in ClinVar:

NM_001134363.3(RBM20):c.1920C>G (p.Ser640Arg)

Gene: RBM20 (RNA binding motif protein 20; plus strand). Cytogenetic location: 10q25.2.
Variant type: single nucleotide variant.
Coding change: c.1920C>G on transcript NM_001134363.3 (MANE Select); coding-DNA position 1920, C replaced by G.
Protein change: p.Ser640Arg; replaces serine 640 with arginine.
Molecular consequence: missense variant.
Genome position (GRCh38, 1-based): chr10:110,812,317, C>G. VCF-style: chr10-110812317-C-G. GRCh37 (hg19) VCF-style: chr10-112572075-C-G.
Other names: short protein forms S640R.
Identifiers: ClinVar variation 4151608 (VCV004151608.3).
Genomic context (GRCh38, chr10:110,812,317, plus strand): 5'-TGCTCCTTGGCTCCCTCACAGATATGGCCCAGAAAGGCCGCGGTCTCGTAGTCCGGTGAG[C>G]CGGTCACTCTCCCCGAGGTCCCACACTCCCAGCTTCACCTCCTGCAGCTCTTCCCACAGC-3'
Protein context (NP_001127835.2, residues 630-650): PERPRSRSPV[Ser640Arg]RSLSPRSHTP

ClinVar aggregate classification (germline): Uncertain significance. Review status: criteria provided, multiple submitters, no conflicts (2 of 4 stars). 2 submissions from 2 submitters: Uncertain significance (2). Last evaluated 2026-03-21.

Conditions:
Dilated cardiomyopathy 1DD (CMD1DD). Identifiers: Orphanet 154, MedGen C2750995, MONDO:0013168, OMIM 613172.
Cardiovascular phenotype. Identifiers: MedGen CN230736.

gnomAD v4.1: 2 of 1,550,654 alleles (0.00013%); highest among the groups gnomAD compares: African/African-American, 0.0014%; no homozygotes.

Submissions (2):

Ambry Genetics
Classification: Uncertain significance for Cardiovascular phenotype. Last evaluated: 2026-03-21. Review status: criteria provided, single submitter. Criteria: Ambry Variant Classification Scheme 2023. Collection method: clinical testing. Allele origin: germline.
Comment: The p.S640R variant (also known as c.1920C>G), located in coding exon 9 of the RBM20 gene, results from a C to G substitution at nucleotide position 1920. The serine at codon 640 is replaced by arginine, an amino acid with dissimilar properties. This amino acid position is conserved. In addition, the in silico prediction for this alteration is inconclusive. Based on the available evidence, the clinical significance of this variant remains unclear.

Labcorp Genetics (formerly Invitae), Labcorp
Classification: Uncertain significance for Dilated cardiomyopathy 1DD. Last evaluated: 2025-03-18. Review status: criteria provided, single submitter. Criteria: Invitae Variant Classification Sherloc (09022015). Collection method: clinical testing. Allele origin: germline.
Comment: This sequence change replaces serine, which is neutral and polar, with arginine, which is basic and polar, at codon 640 of the RBM20 protein (p.Ser640Arg). This variant is not present in population databases (gnomAD no frequency). This variant has not been reported in the literature in individuals affected with RBM20-related conditions. Invitae Evidence Modeling of protein sequence and biophysical properties (such as structural, functional, and spatial information, amino acid conservation, physicochemical variation, residue mobility, and thermodynamic stability) indicates that this missense variant is not expected to disrupt RBM20 protein function with a negative predictive value of 95%. In summary, the available evidence is currently insufficient to determine the role of this variant in disease. Therefore, it has been classified as a Variant of Uncertain Significance.